The following is an entry in ClinVar:

NM_003285.3(TNR):c.2324G>A (p.Arg775His)

Gene: TNR (tenascin R; minus strand). Cytogenetic location: 1q25.1.
Variant type: single nucleotide variant.
Coding change: c.2324G>A on transcript NM_003285.3 (MANE Select); coding-DNA position 2324, G replaced by A.
Protein change: p.Arg775His; replaces arginine 775 with histidine.
Molecular consequence: missense variant.
Genome position (GRCh38, 1-based): chr1:175,365,273, C>T on the plus strand (G>A on the coding strand, the complement: TNR is on the minus strand). VCF-style: chr1-175365273-C-T. GRCh37 (hg19) VCF-style: chr1-175334409-C-T.
Other names: c.1325G>A, p.Arg442His (NM_001328635.2); short protein forms R442H, R775H.
Identifiers: ClinVar variation 1805594 (VCV001805594.6), dbSNP rs141636585, ClinGen allele CA1255653.

ClinVar aggregate classification (germline): Uncertain significance. Review status: criteria provided, multiple submitters, no conflicts (2 of 4 stars). 3 submissions from 3 submitters: Uncertain significance (3). Last evaluated 2026-10-08.

Conditions:
Neurodevelopmental disorder, nonprogressive, with spasticity and transient opisthotonus. Identifiers: MedGen C5562040, MONDO:0859212, OMIM 619653.
Inborn genetic diseases. Identifiers: MedGen C0950123, MeSH D030342.

Allele frequency attached by ClinVar (database versions not stated): TOPMed 0.00015; ESP Exome Variant Server 0.00023; gnomAD 0.00017; ExAC 0.00023.
gnomAD v4.1: 504 of 1,601,882 alleles (0.031%); highest among the groups gnomAD compares: Non-Finnish European, 0.039%; 1 homozygote.

Submissions (3):

GeneDx
Classification: Uncertain significance. Last evaluated: 2026-10-08. Review status: criteria provided, single submitter. Criteria: GeneDx Variant Classification Process June 2021. Collection method: clinical testing. Allele origin: germline.
Comment: In silico analysis supports that this missense variant does not alter protein structure/function; Has not been previously published as pathogenic or benign to our knowledge

Ambry Genetics
Classification: Uncertain significance for Inborn genetic diseases. Last evaluated: 2025-04-20. Review status: criteria provided, single submitter. Criteria: Ambry Variant Classification Scheme 2023. Collection method: clinical testing. Allele origin: germline.

Victorian Clinical Genetics Services, Murdoch Childrens Research Institute
Classification: Uncertain significance for Neurodevelopmental disorder, nonprogressive, with spasticity and transient opisthotonus. Last evaluated: 2020-10-19. Review status: criteria provided, single submitter. Criteria: ACMG Guidelines, 2015. Collection method: clinical testing. Allele origin: germline. Inheritance: Autosomal recessive inheritance.
Comment: Based on the classification scheme VCGS_Germline_v1.1.1, this variant is classified as 3B-VUS. Following criteria are met: 0102 - Loss-of-function is a likely mechanism of disease for this gene (PMID: 32099069). (N) 0106 - This gene is known to be associated with autosomal recessive disease (PMID: 32099069). (N) 0200 - Variant is predicted to result in a missense amino acid change from arginine to histidine (exon 12). (N) 0251 - Variant is heterozygous. (N) 0304 - Variant is present in gnomAD <0.01 for a recessive condition (57 heterozygotes, 0 homozygotes). (P) 0309 - Three alternative amino acid changes at the same position has been observed in gnomAD with the highest allele frequence of 0.01% (3 heterozygotes, 0 homozygotes). (N) 0502 - Missense variant with conflicting in silico predictions. (N) 0600 - Variant is located in an annotated domain or motif (Fibronectin type III domain; PDB). (N) 0705 - No comparable variants have previous evidence for pathogenicity. (N) 0807 - Variant has not previously been reported in a clinical context. (N) 0905 - No segregation evidence has been identified for this variant. (N) 1007 - No published functional evidence has been identified for this variant. (N) 1208 - Inheritance information for this variant is not currently available. (N) Legend: (P) - Pathogenic, (N) - Neutral, (B) - Benign

Literature cited by the submitters: PubMed 32099069 (cited by Victorian Clinical Genetics Services, Murdoch Childrens Research Institute).